The following is an entry in ClinVar:

NM_006947.4(SRP72):c.1460T>C (p.Leu487Pro)

Gene: SRP72 (signal recognition particle 72; plus strand). Cytogenetic location: 4q12.
Variant type: single nucleotide variant.
Coding change: c.1460T>C on transcript NM_006947.4 (MANE Select); coding-DNA position 1460, T replaced by C.
Protein change: p.Leu487Pro; replaces leucine 487 with proline.
Molecular consequence: missense variant. On other transcripts: non-coding transcript variant (1).
Genome position (GRCh38, 1-based): chr4:56,490,603, T>C. VCF-style: chr4-56490603-T-C. GRCh37 (hg19) VCF-style: chr4-57356769-T-C.
Other names: c.1277T>C, p.Leu426Pro (NM_001267722.2); c.1460T>C (NM_006947.3); short protein forms L426P, L487P.
Identifiers: ClinVar variation 1357203 (VCV001357203.9), dbSNP rs1328792939, ClinGen allele CA357001791.

ClinVar aggregate classification (germline): Uncertain significance. Review status: criteria provided, multiple submitters, no conflicts (2 of 4 stars). 4 submissions from 4 submitters: Uncertain significance (4). Last evaluated 2025-03-04.

Allele frequency attached by ClinVar (database versions not stated): gnomAD exomes 0.00002.

Submissions (4):

Center for Genomic Medicine, Rigshospitalet, Copenhagen University Hospital
Classification: Uncertain significance. Last evaluated: 2025-03-04. Review status: criteria provided, single submitter. Criteria: ACMG Guidelines, 2015. Collection method: clinical testing. Allele origin: germline.

Ambry Genetics
Classification: Uncertain significance. Last evaluated: 2024-12-02. Review status: criteria provided, single submitter. Criteria: Ambry Variant Classification Scheme 2023. Collection method: clinical testing. Allele origin: germline.
Comment: The p.L487P variant (also known as c.1460T>C), located in coding exon 15 of the SRP72 gene, results from a T to C substitution at nucleotide position 1460. The leucine at codon 487 is replaced by proline, an amino acid with similar properties. This amino acid position is conserved. In addition, this alteration is predicted to be deleterious by in silico analysis. Based on the available evidence, the clinical significance of this variant remains unclear.

GeneDx
Classification: Uncertain significance. Last evaluated: 2023-11-21. Review status: criteria provided, single submitter. Criteria: GeneDx Variant Classification Process June 2021. Collection method: clinical testing. Allele origin: germline. Affected: yes.
Comment: Not observed at significant frequency in large population cohorts (gnomAD); In silico analysis supports that this missense variant has a deleterious effect on protein structure/function; Has not been previously published as pathogenic or benign to our knowledge

Labcorp Genetics (formerly Invitae), Labcorp
Classification: Uncertain significance. Last evaluated: 2021-10-01. Review status: criteria provided, single submitter. Criteria: Invitae Variant Classification Sherloc (09022015). Collection method: clinical testing. Allele origin: germline.
Comment: This sequence change replaces leucine with proline at codon 487 of the SRP72 protein (p.Leu487Pro). The leucine residue is highly conserved and there is a moderate physicochemical difference between leucine and proline. This variant is not present in population databases (ExAC no frequency). This variant has not been reported in the literature in individuals affected with SRP72-related conditions. Algorithms developed to predict the effect of missense changes on protein structure and function are either unavailable or do not agree on the potential impact of this missense change (SIFT: "Deleterious"; PolyPhen-2: "Probably Damaging"; Align-GVGD: "Class C15"). In summary, the available evidence is currently insufficient to determine the role of this variant in disease. Therefore, it has been classified as a Variant of Uncertain Significance.

Literature cited by the submitters: PubMed 22541560 (cited by Center for Genomic Medicine, Rigshospitalet, Copenhagen University Hospital).